The following is an entry in ClinVar:

ClinVar aggregate classification (germline): Uncertain significance (1 of 4 stars; one submission).

Conditions:
HSPA1L-related disorder. Also called: HSPA1L-related condition.

Submission:

3billion
Classification: Uncertain significance for HSPA1L-related disorder. Last evaluated: 2025-09-10. Review status: criteria provided, single submitter. Criteria: ACMG Guidelines, 2015. Collection method: clinical testing. Allele origin: germline. Affected: yes.
Comment: The variant is not observed in the gnomAD v4.1.0 dataset. Predicted Consequence/Location: Missense variant In silico tool predictions suggest damaging effect of the variant on gene or gene product [3Cnet: 0.83 (> 0.75, sensitivity 0.96 and precision 0.92)]. A different missense change at the same codon (p.Gly77Ser) has been reported to be associated with HSPA1L-related disorder (PMID: 28126021). However the evidence of pathogenicity is insufficient at this time. Therefore, this variant is classified as VUS according to the recommendation of ACMG/AMP guideline.

Literature cited by the submitters: PubMed 28126021.

NM_005527.4(HSPA1L):c.230G>C (p.Gly77Ala)

Gene: HSPA1L (heat shock protein family A (Hsp70) member 1 like; minus strand). Cytogenetic location: 6p21.33.
Variant type: single nucleotide variant.
Coding change: c.230G>C on transcript NM_005527.4 (MANE Select); coding-DNA position 230, G replaced by C.
Protein change: p.Gly77Ala; replaces glycine 77 with alanine.
Molecular consequence: missense variant.
Genome position (GRCh38, 1-based): chr6:31,811,743, C>G on the plus strand (G>C on the coding strand, the complement: HSPA1L is on the minus strand). VCF-style: chr6-31811743-C-G. GRCh37 (hg19) VCF-style: chr6-31779520-C-G.
Other names: short protein forms G77A.
Identifiers: ClinVar variation 4854981 (VCV004854981.1).